The following is an entry in ClinVar:

NM_000552.5(VWF):c.1614C>T (p.Pro538=)

Gene: VWF (von Willebrand factor; minus strand). Cytogenetic location: 12p13.31.
Variant type: single nucleotide variant.
Coding change: c.1614C>T on transcript NM_000552.5 (MANE Select); coding-DNA position 1614, C replaced by T.
Protein change: p.Pro538=; no amino-acid change (proline 538 retained).
Molecular consequence: synonymous variant.
Genome position (GRCh38, 1-based): chr12:6,057,964, G>A on the plus strand (C>T on the coding strand, the complement: VWF is on the minus strand). VCF-style: chr12-6057964-G-A. GRCh37 (hg19) VCF-style: chr12-6167130-G-A.
Other names: p.Pro538=.
Identifiers: ClinVar variation 806804 (VCV000806804.24), dbSNP rs138268387, ClinGen allele CA6403325.
Genomic context (GRCh38, chr12:6,057,964, plus strand): 5'-GTCCCCGTGCAGCTTCCAGGCGTTCCCGAAGTCCTCCACCCGGGGCTCCGCCAGCCCAGA[G>A]GGGGTAAGGAAGTCGTCGCCCTGGTTGCCATTGTAATTCCCACACAGGCCGCAGGTCTTC-3'
Protein context (NP_000543.3, residues 528-548): NGNQGDDFLT[Pro538=]SGLAEPRVED

ClinVar aggregate classification (germline): Likely benign. Review status: criteria provided, multiple submitters, no conflicts (2 of 4 stars). 7 submissions from 7 submitters: Likely benign (6). 1 of the submissions does not count toward it. Last evaluated 2026-02-01.

Conditions:
VWF-related disorder. Also called: VWF-related condition; VWF-related disorders.

Allele frequency attached by ClinVar (database versions not stated): ExAC 0.00039; 1000 Genomes Project 0.00040; gnomAD exomes 0.00040 and 0.00070; gnomAD 0.00044 and 0.00046; 1000 Genomes Project 30x 0.00047; TOPMed 0.00052; ESP Exome Variant Server 0.00062.
gnomAD v4.1: 1,088 of 1,613,774 alleles (0.067%); highest among the groups gnomAD compares: Non-Finnish European, 0.086%; no homozygotes.

Submissions (7):

CeGaT Center for Human Genetics Tuebingen
Classification: Likely benign. Last evaluated: 2026-02-01. Review status: criteria provided, single submitter. Criteria: CeGaT Center For Human Genetics Tuebingen Variant Classification Criteria Version 2. Collection method: clinical testing. Allele origin: germline. Affected: yes. Observed: 1 variant allele.
Comment: VWF: BP4, BP7

Laboratory of Genetics, Children's Clinical University Hospital Latvia
Classification: Likely benign. Last evaluated: 2025-02-16. Review status: criteria provided, single submitter. Criteria: ACMG Guidelines, 2015. Collection method: clinical testing. Allele origin: germline. Affected: yes.

ARUP Laboratories, Molecular Genetics and Genomics, ARUP Laboratories
Classification: Likely benign. Last evaluated: 2024-10-31. Review status: criteria provided, single submitter. Criteria: ARUP Molecular Germline Variant Investigation Process 2024. Collection method: clinical testing. Allele origin: germline.

Blueprint Genetics
Classification: Likely benign. Last evaluated: 2024-07-17. Review status: criteria provided, single submitter. Criteria: ACMG Guidelines, 2015. Collection method: clinical testing. Allele origin: germline.

Mayo Clinic Laboratories, Mayo Clinic
Classification: Likely benign. Last evaluated: 2024-03-25. Review status: criteria provided, single submitter. Criteria: ACMG Guidelines, 2015. Collection method: clinical testing. Allele origin: germline. Observed: 2 variant alleles.
Comment: BP4, BP7

Quest Diagnostics Nichols Institute San Juan Capistrano
Classification: Likely benign. Last evaluated: 2020-02-25. Review status: criteria provided, single submitter. Criteria: Quest Diagnostics criteria. Collection method: clinical testing. Allele origin: unknown.

PreventionGenetics, part of Exact Sciences
Classification: Likely benign for VWF-related condition. Last evaluated: 2019-03-28. Review status: no assertion criteria provided. Collection method: clinical testing. Allele origin: germline. Not counted in ClinVar's aggregate classification.
Comment: This variant is classified as likely benign based on ACMG/AMP sequence variant interpretation guidelines (Richards et al. 2015 PMID: 25741868, with internal and published modifications).

Literature cited by the submitters: PubMed 27320760 (cited by Quest Diagnostics Nichols Institute San Juan Capistrano).